The following is an entry in ClinVar:

ClinVar aggregate classification (germline): Uncertain significance (1 of 4 stars; one submission).

Conditions:
Hereditary cancer-predisposing syndrome. Also called: Hereditary Cancer Syndrome; Hereditary neoplastic syndrome; Neoplastic Syndromes, Hereditary; Tumor predisposition. Identifiers: Orphanet 140162, MedGen C0027672, MeSH D009386, MONDO:0015356.

Submission:

Ambry Genetics
Classification: Uncertain significance for Hereditary cancer-predisposing syndrome. Last evaluated: 2023-11-14. Review status: criteria provided, single submitter. Criteria: Ambry Variant Classification Scheme 2023. Collection method: clinical testing. Allele origin: germline.
Comment: The p.C2020G variant (also known as c.6058T>G), located in coding exon 15 of the APC gene, results from a T to G substitution at nucleotide position 6058. The cysteine at codon 2020 is replaced by glycine, an amino acid with highly dissimilar properties. This amino acid position is highly conserved in available vertebrate species. In addition, in silico predictors for this gene do not accurately predict pathogenicity. Since supporting evidence is limited at this time, the clinical significance of this alteration remains unclear.

NM_000038.6(APC):c.6058T>G (p.Cys2020Gly)

Gene: APC (APC regulator of Wnt signaling pathway; plus strand). Cytogenetic location: 5q22.2.
Variant type: single nucleotide variant.
Coding change: c.6058T>G on transcript NM_000038.6 (MANE Select); coding-DNA position 6058, T replaced by G.
Protein change: p.Cys2020Gly; replaces cysteine 2020 with glycine.
Molecular consequence: missense variant.
Genome position (GRCh38, 1-based): chr5:112,841,652, T>G. VCF-style: chr5-112841652-T-G. GRCh37 (hg19) VCF-style: chr5-112177349-T-G.
Other names: c.6058T>G, p.Cys2020Gly (NM_001127510.3, NM_001354895.2, NM_001407450.1); c.6004T>G, p.Cys2002Gly (NM_001127511.3); c.6112T>G, p.Cys2038Gly (NM_001354896.2, NM_001407447.1, NM_001407448.1 and 1 more transcripts); c.6088T>G, p.Cys2030Gly (NM_001354897.2); c.5983T>G, p.Cys1995Gly (NM_001354898.2); c.5974T>G, p.Cys1992Gly (NM_001354899.2); c.5935T>G, p.Cys1979Gly (NM_001354900.2); c.5881T>G, p.Cys1961Gly (NM_001354901.2, NM_001407453.1); and 11 more; short protein forms C1992G, C2020G, C2030G, C2048G, C1737G, C1929G, C1937G, C1961G.
Identifiers: ClinVar variation 1751302 (VCV001751302.2), dbSNP rs2149955950, ClinGen allele CA16034588.